The following is an entry in ClinVar:

ClinVar aggregate classification (germline): Likely benign. Review status: criteria provided, multiple submitters, no conflicts (2 of 4 stars). 5 submissions from 5 submitters: Likely benign (5). Last evaluated 2026-01-19.

Conditions:
Inborn genetic diseases. Identifiers: MedGen C0950123, MeSH D030342.

Submissions (5):

Labcorp Genetics (formerly Invitae), Labcorp
Classification: Likely benign. Last evaluated: 2026-01-19. Review status: criteria provided, single submitter. Criteria: Invitae Variant Classification Sherloc (09022015). Collection method: clinical testing. Allele origin: germline.

CeGaT Center for Human Genetics Tuebingen
Classification: Likely benign. Last evaluated: 2024-05-01. Review status: criteria provided, single submitter. Criteria: CeGaT Center For Human Genetics Tuebingen Variant Classification Criteria Version 2. Collection method: clinical testing. Allele origin: germline. Affected: yes. Observed: 1 variant allele.
Comment: ARID1B: BP3

GeneDx
Classification: Likely benign. Last evaluated: 2021-11-22. Review status: criteria provided, single submitter. Criteria: GeneDx Variant Classification Process June 2021. Collection method: clinical testing. Allele origin: germline. Affected: yes.

Laboratorio de Genetica e Diagnostico Molecular, Hospital Israelita Albert Einstein
Classification: Likely benign. Last evaluated: 2020-02-25. Review status: criteria provided, single submitter. Criteria: ACMG Guidelines, 2015. Collection method: clinical testing. Allele origin: germline. Affected: yes.
Comment: ACMG classification criteria: PM2, BP3, BP4

Ambry Genetics
Classification: Likely benign for Inborn genetic diseases. Last evaluated: 2018-05-17. Review status: criteria provided, single submitter. Criteria: Ambry Variant Classification Scheme 2023. Collection method: clinical testing. Allele origin: germline.

NM_001374828.1(ARID1B):c.615GCA[5] (p.Gln213_Gln214del)

Genes: ARID1B (AT-rich interaction domain 1B; plus strand), LOC115308161 (uncharacterized LOC115308161; minus strand). Cytogenetic location: 6q25.3.
Variant type: Microsatellite.
Coding change: c.615GCA[5] on transcript NM_001374828.1 (MANE Select); five copies in a row of the 3-base unit GCA starting at c.615; the reference has seven copies in a row; two copies, 6 bases deleted.
Protein change: p.Gln213_Gln214del.
Molecular consequence: inframe deletion. On other transcripts: non-coding transcript variant (1).
Genome position (GRCh38, 1-based): chr6:156,778,310-156,778,315, GCAGCA deleted; deleting any 6 consecutive bases within chr6:156,778,293-156,778,315 gives the same sequence; the position shown is the placement nearest the transcript's 3' end. VCF-style (leftmost placement, unchanged base first): chr6-156778292-ACAGCAG-A. GRCh37 (hg19) VCF-style: chr6-157099426-ACAGCAG-A.
Other names: c.381_386delGCAGCA (NM_020732.3); c.381_386del (NM_020732.3); c.615GCA[5], p.Gln213_Gln214del (NM_001371656.1, NM_001374820.1, NM_017519.3); c.364_369del (NM_020732.3).
Identifiers: ClinVar variation 589319 (VCV000589319.74), dbSNP rs587779744, ClinGen allele CA821296204.
Genomic context (GRCh38, chr6:156,778,292, plus strand): 5'-CCACCACCACGCACTACAGCAGCAGCTAAACCAGTTCCAGCAGCAGCAGCAGCAGCAGCA[ACAGCAG>A]CAGCAGCAGCAGCAGCAACAGCAACATCCCATTTCCAACAACAACAGCTTGGGCGGCGCG-3'